The following is an entry in ClinVar:

ClinVar aggregate classification (germline): Benign/Likely benign. Review status: criteria provided, multiple submitters, no conflicts (2 of 4 stars). 3 submissions from 3 submitters: Benign (1); Likely benign (2). Last evaluated 2025-06-10.

Conditions:
Hereditary cancer-predisposing syndrome. Also called: Neoplastic Syndromes, Hereditary; Tumor predisposition; Hereditary Cancer Syndrome; Hereditary neoplastic syndrome. Identifiers: Orphanet 140162, MedGen C0027672, MeSH D009386, MONDO:0015356.
Von Hippel-Lindau syndrome (VHLS). Also called: von Hippel–Lindau syndrome; VHL syndrome; Von Hippel-Lindau. Identifiers: Orphanet 892, MedGen C0019562, MONDO:0008667, OMIM 193300. Disease mechanism: loss of function.
Chuvash polycythemia. Also called: POLYCYTHEMIA, VHL-DEPENDENT. Identifiers: Orphanet 238557, MedGen C1837915, MONDO:0009892, OMIM 263400.

Allele frequency attached by ClinVar (database versions not stated): gnomAD exomes below 0.00001.
gnomAD v4.1: 2 of 1,533,304 alleles (0.00013%); highest among the groups gnomAD compares: Non-Finnish European, 0.00018%; no homozygotes.

Submissions (3):

Myriad Genetics, Inc.
Classification: Benign for Von Hippel-Lindau syndrome. Last evaluated: 2025-06-10. Review status: criteria provided, single submitter. Criteria: Myriad Autosomal Dominant, Autosomal Recessive and X-Linked Classification Criteria (2023). Collection method: clinical testing. Allele origin: unknown.
Comment: This variant is considered benign. This variant is a silent/synonymous amino acid change and it is not expected to impact splicing.

Labcorp Genetics (formerly Invitae), Labcorp
Classification: Likely benign for Von Hippel-Lindau syndrome; Chuvash polycythemia. Last evaluated: 2025-04-07. Review status: criteria provided, single submitter. Criteria: Invitae Variant Classification Sherloc (09022015). Collection method: clinical testing. Allele origin: germline.

Ambry Genetics
Classification: Likely benign for Hereditary cancer-predisposing syndrome. Last evaluated: 2021-04-01. Review status: criteria provided, single submitter. Criteria: Ambry Variant Classification Scheme 2023. Collection method: clinical testing. Allele origin: germline.

NM_000551.4(VHL):c.33C>G (p.Ala11=)

Gene: VHL (von Hippel-Lindau tumor suppressor; plus strand). Cytogenetic location: 3p25.3.
Variant type: single nucleotide variant.
Coding change: c.33C>G on transcript NM_000551.4 (MANE Select); coding-DNA position 33, C replaced by G.
Protein change: p.Ala11=; no amino-acid change (alanine 11 retained).
Molecular consequence: synonymous variant. On other transcripts: non-coding transcript variant (1).
Genome position (GRCh38, 1-based): chr3:10,141,880, C>G. VCF-style: chr3-10141880-C-G. GRCh37 (hg19) VCF-style: chr3-10183564-C-G.
Other names: c.33C>G, p.Ala11= (NM_001354723.2, NM_198156.3).
Identifiers: ClinVar variation 1731012 (VCV001731012.8), dbSNP rs778674343, ClinGen allele CA040357.